The following is an entry in ClinVar:

NM_000443.4(ABCB4):c.1084G>A (p.Gly362Arg)

Gene: ABCB4 (ATP binding cassette subfamily B member 4; minus strand). Cytogenetic location: 7q21.12.
Variant type: single nucleotide variant.
Coding change: c.1084G>A on transcript NM_000443.4 (MANE Select); coding-DNA position 1084, G replaced by A.
Protein change: p.Gly362Arg; replaces glycine 362 with arginine.
Molecular consequence: missense variant.
Genome position (GRCh38, 1-based): chr7:87,444,897, C>T on the plus strand (G>A on the coding strand, the complement: ABCB4 is on the minus strand). VCF-style: chr7-87444897-C-T. GRCh37 (hg19) VCF-style: chr7-87074213-C-T.
Other names: c.1084G>A, p.Gly362Arg (NM_018849.3, NM_018850.3); short protein forms G362R.
Identifiers: ClinVar variation 5022294 (VCV005022294.1).
Genomic context (GRCh38, chr7:87,444,897, plus strand): 5'-GGCACTAAAATAATAAATGACTTACATTATCAATAATATCAAAGATCACATATGCTGCTC[C>T]TCTTGCATTGGCAAAAGCATCAATACATGGGGCAGCCTGGCCAACACTGAAAGCTCCAAT-3'
Protein context (NP_000434.1, residues 352-372): PCIDAFANAR[Gly362Arg]AAYVIFDIID

ClinVar aggregate classification (germline): Uncertain significance (1 of 4 stars; one submission).

Conditions:
Inborn genetic diseases. Identifiers: MedGen C0950123, MeSH D030342.

gnomAD v4.1: 2 of 1,609,242 alleles (0.00012%); highest among the groups gnomAD compares: Non-Finnish European, 0.00017%; no homozygotes.

Submission:

Ambry Genetics
Classification: Uncertain significance for Inborn genetic diseases. Last evaluated: 2026-08-31. Review status: criteria provided, single submitter. Criteria: Ambry Variant Classification Scheme 2023. Collection method: clinical testing. Allele origin: germline.
Comment: The c.1084G>A (p.G362R) alteration is located in exon 10 (coding exon 9) of the ABCB4 gene. This alteration results from a G to A substitution at nucleotide position 1084, causing the glycine (G) at amino acid position 362 to be replaced by an arginine (R). Based on data from gnomAD, the A allele has an overall frequency of <0.001% (1/246856) total alleles studied. The highest observed frequency was 0.001% (1/112994) of European (non-Finnish) alleles. Based on insufficient or conflicting evidence, the clinical significance of this alteration remains unclear.